The following is an entry in ClinVar:

ClinVar aggregate classification (germline): Likely benign. Review status: criteria provided, multiple submitters, no conflicts (2 of 4 stars). 3 submissions from 3 submitters: Likely benign (2). 1 of the submissions does not count toward it. Last evaluated 2025-09-02.

Conditions:
ATRN-related disorder. Also called: ATRN-related condition.

Allele frequency attached by ClinVar (database versions not stated): ExAC 0.00020; TOPMed 0.00021; gnomAD 0.00022 and 0.00023; gnomAD exomes 0.00023; 1000 Genomes Project 0.00040; 1000 Genomes Project 30x 0.00062.
gnomAD v4.1: 349 of 1,503,938 alleles (0.023%); highest among the groups gnomAD compares: Non-Finnish European, 0.029%; no homozygotes.

Submissions (3):

Labcorp Genetics (formerly Invitae), Labcorp
Classification: Likely benign. Last evaluated: 2025-09-02. Review status: criteria provided, single submitter. Criteria: Invitae Variant Classification Sherloc (09022015). Collection method: clinical testing. Allele origin: germline.

Breakthrough Genomics
Classification: Likely benign. Review status: criteria provided, single submitter. Criteria: ACMG Guidelines, 2015. Collection method: not provided. Allele origin: germline. Inheritance: Unknown mechanism. Affected: yes.

PreventionGenetics, part of Exact Sciences
Classification: Likely benign for ATRN-related condition. Last evaluated: 2019-05-23. Review status: no assertion criteria provided. Collection method: clinical testing. Allele origin: germline. Not counted in ClinVar's aggregate classification.
Comment: This variant is classified as likely benign based on ACMG/AMP sequence variant interpretation guidelines (Richards et al. 2015 PMID: 25741868, with internal and published modifications).

NM_139321.3(ATRN):c.63G>A (p.Ala21=)

Genes: ATRN (attractin; plus strand), LOC130065331 (ATAC-STARR-seq lymphoblastoid silent region 12621; plus strand). Cytogenetic location: 20p13.
Variant type: single nucleotide variant.
Coding change: c.63G>A on transcript NM_139321.3 (MANE Select); coding-DNA position 63, G replaced by A.
Protein change: p.Ala21=; no amino-acid change (alanine 21 retained).
Molecular consequence: synonymous variant. On other transcripts: intron variant (1).
Genome position (GRCh38, 1-based): chr20:3,471,170, G>A. VCF-style: chr20-3471170-G-A. GRCh37 (hg19) VCF-style: chr20-3451817-G-A.
Other names: c.63G>A, p.Ala21= (NM_001323332.2, NM_139322.4); c.62+36G>A (NM_001207047.3); c.63G>A (NM_139321.2).
Identifiers: ClinVar variation 1664699 (VCV001664699.11), dbSNP rs570891647, ClinGen allele CA9743761.
Genomic context (GRCh38, chr20:3,471,170, plus strand): 5'-GGTGGCTGCAGCGGCGGCAACTGAGGCAAGGCTGAGGAGGAGGACGGCGGCGACGGCAGC[G>A]CTCGCGGGCAGGAGCGGCGGGCCGCACTGGGACTGGGACGTGACCAGGGCTGGGAGGCCG-3'
Protein context (NP_647537.1, residues 11-31): RLRRRTAATA[Ala21=]LAGRSGGPHW